The following is an entry in ClinVar:

ClinVar aggregate classification (germline): Likely pathogenic. Review status: criteria provided, multiple submitters, no conflicts (2 of 4 stars). 2 submissions from 2 submitters: Likely pathogenic (2). Last evaluated 2024-05-07.

Conditions:
Jeune thoracic dystrophy. Also called: Short-rib thoracic dysplasia; Jeune syndrome; Infantile thoracic dystrophy; Thoracic pelvic phalangeal dystrophy; Jeune's syndrome; Chondroectodermal dysplasia-like syndrome. Identifiers: Orphanet 474, MedGen C0265275, MONDO:0018770.
Asphyxiating thoracic dystrophy 3. Also called: Saldino-Noonan Syndrome; Short rib polydactyly syndrome 2B; SHORT-RIB THORACIC DYSPLASIA 3 WITH OR WITHOUT POLYDACTYLY; POLYDACTYLY WITH NEONATAL CHONDRODYSTROPHY, TYPE I; SHORT-RIB THORACIC DYSPLASIA 3/6 WITH POLYDACTYLY, DIGENIC. Identifiers: Orphanet 474, Orphanet 93269, Orphanet 93270, Orphanet 93271, MedGen C0036069, MONDO:0013127, OMIM 613091.

Allele frequency attached by ClinVar (database versions not stated): gnomAD exomes 0.00002.
gnomAD v4.1: 25 of 1,608,390 alleles (0.0016%); highest among the groups gnomAD compares: African/African-American, 0.0027%; no homozygotes.

Submissions (2):

Fulgent Genetics
Classification: Likely pathogenic for Asphyxiating thoracic dystrophy 3. Last evaluated: 2024-05-07. Review status: criteria provided, single submitter. Criteria: ACMG Guidelines, 2015. Collection method: clinical testing. Allele origin: germline.

Labcorp Genetics (formerly Invitae), Labcorp
Classification: Likely pathogenic for Jeune thoracic dystrophy. Last evaluated: 2023-01-09. Review status: criteria provided, single submitter. Criteria: Invitae Variant Classification Sherloc (09022015). Collection method: clinical testing. Allele origin: germline.
Comment: Algorithms developed to predict the effect of sequence changes on RNA splicing suggest that this variant may disrupt the consensus splice site. This variant has not been reported in the literature in individuals affected with DYNC2H1-related conditions. This variant is not present in population databases (gnomAD no frequency). This sequence change affects an acceptor splice site in intron 69 of the DYNC2H1 gene. It is expected to disrupt RNA splicing. Variants that disrupt the donor or acceptor splice site typically lead to a loss of protein function (PMID: 16199547), and loss-of-function variants in DYNC2H1 are known to be pathogenic (PMID: 23339108, 32753734). In summary, the currently available evidence indicates that the variant is pathogenic, but additional data are needed to prove that conclusively. Therefore, this variant has been classified as Likely Pathogenic.

Literature cited by the submitters: PubMed 16199547 (cited by Labcorp Genetics (formerly Invitae), Labcorp); PubMed 23339108 (cited by Labcorp Genetics (formerly Invitae), Labcorp); PubMed 32753734 (cited by Labcorp Genetics (formerly Invitae), Labcorp).

NM_001377.3(DYNC2H1):c.10462-2A>G

Gene: DYNC2H1 (dynein cytoplasmic 2 heavy chain 1; plus strand). Cytogenetic location: 11q22.3.
Variant type: single nucleotide variant.
Coding change: c.10462-2A>G on transcript NM_001377.3 (MANE Select); the canonical splice acceptor site of the intron before coding-DNA position 10462, A replaced by G.
Molecular consequence: splice acceptor variant.
Genome position (GRCh38, 1-based): chr11:103,257,606, A>G. VCF-style: chr11-103257606-A-G. GRCh37 (hg19) VCF-style: chr11-103128335-A-G.
Other names: c.10483-2A>G (NM_001080463.2).
Identifiers: ClinVar variation 2963263 (VCV002963263.4), dbSNP rs1313315549, ClinGen allele CA382250482.
Genomic context (GRCh38, chr11:103,257,606, plus strand): 5'-GCAGTAAAGCACTAATTCTAAGGTGTTTCCACCCTATCCCCTACTGATCTCTTGATCCAT[A>G]GGAACGGGATGCCTATCTCCCCCTGGCTGAGAGTGCCAGCAAGATGTACTTCATTATTTC-3'